The following is an entry in ClinVar:

ClinVar aggregate classification (germline): Uncertain significance (1 of 4 stars; one submission).

Conditions:
Emery-Dreifuss muscular dystrophy 5, autosomal dominant (EDMD5). Also called: EMERY-DREIFUSS MUSCULAR DYSTROPHY 5. Identifiers: Orphanet 261, MedGen C2751805, MONDO:0013072, OMIM 612999.

Allele frequency attached by ClinVar (database versions not stated): gnomAD exomes below 0.00001.
gnomAD v4.1: 3 of 1,614,218 alleles (0.00019%); highest among the groups gnomAD compares: Non-Finnish European, 0.00017%; no homozygotes.

Submission:

Labcorp Genetics (formerly Invitae), Labcorp
Classification: Uncertain significance for Emery-Dreifuss muscular dystrophy 5, autosomal dominant. Last evaluated: 2022-02-25. Review status: criteria provided, single submitter. Criteria: Invitae Variant Classification Sherloc (09022015). Collection method: clinical testing. Allele origin: germline.
Comment: In summary, the available evidence is currently insufficient to determine the role of this variant in disease. Therefore, it has been classified as a Variant of Uncertain Significance. Algorithms developed to predict the effect of sequence changes on RNA splicing suggest that this variant may disrupt the consensus splice site. Algorithms developed to predict the effect of missense changes on protein structure and function output the following: SIFT: "Tolerated"; PolyPhen-2: "Benign"; Align-GVGD: "Class C0". The valine amino acid residue is found in multiple mammalian species, which suggests that this missense change does not adversely affect protein function. This variant has not been reported in the literature in individuals affected with SYNE2-related conditions. This variant is not present in population databases (gnomAD no frequency). This sequence change replaces methionine, which is neutral and non-polar, with valine, which is neutral and non-polar, at codon 4831 of the SYNE2 protein (p.Met4831Val).

NM_182914.3(SYNE2):c.14491A>G (p.Met4831Val)

Gene: SYNE2 (spectrin repeat containing nuclear envelope protein 2; plus strand). Cytogenetic location: 14q23.2.
Variant type: single nucleotide variant.
Coding change: c.14491A>G on transcript NM_182914.3 (MANE Select); coding-DNA position 14491, A replaced by G.
Protein change: p.Met4831Val; replaces methionine 4831 with valine.
Molecular consequence: missense variant.
Genome position (GRCh38, 1-based): chr14:64,132,415, A>G. VCF-style: chr14-64132415-A-G. GRCh37 (hg19) VCF-style: chr14-64599133-A-G.
Other names: c.14491A>G, p.Met4831Val (NM_015180.6); short protein forms M4831V.
Identifiers: ClinVar variation 2063257 (VCV002063257.4), dbSNP rs2549255538, ClinGen allele CA389984260.